The following is an entry in ClinVar:

NM_000090.4(COL3A1):c.2608-16_2608-12del

Gene: COL3A1 (collagen type III alpha 1 chain; plus strand). Cytogenetic location: 2q32.2.
Variant type: Deletion.
Coding change: c.2608-16_2608-12del on transcript NM_000090.4 (MANE Select); 16 bases into the intron before coding-DNA position 2608 through 12 bases into the intron before coding-DNA position 2608, 5 bases deleted (TATTA; older notation c.2608-16_2608-12delTATTA).
Molecular consequence: intron variant.
Genome position (GRCh38, 1-based): chr2:189,003,718-189,003,722, TATTA deleted; deleting any 5 consecutive bases within chr2:189,003,716-189,003,722 gives the same sequence; the c. name uses the placement nearest the transcript's 3' end. VCF-style (leftmost placement, unchanged base first): chr2-189003715-ATATAT-A. GRCh37 (hg19) VCF-style: chr2-189868441-ATATAT-A.
Identifiers: ClinVar variation 3069775 (VCV003069775.2), dbSNP rs781380263, ClinGen allele CA2021755.

ClinVar aggregate classification (germline): Uncertain significance (1 of 4 stars; one submission).

Conditions:
Ehlers-Danlos syndrome, type 4 (EDSVASC). Also called: Ehlers-Danlos Syndrome Type IV; Ehlers-Danlos syndrome vascular type; Ehlers Danlos syndrome, ecchymotic type; Ehlers Danlos syndrome, arterial type; Ehlers Danlos syndrome, Sack-Barabas type. Identifiers: Orphanet 286, MedGen C0268338, MONDO:0017314, OMIM 130050.

Submission:

All of Us Research Program, National Institutes of Health
Classification: Uncertain significance for Ehlers-Danlos syndrome, type 4. Last evaluated: 2024-09-24. Review status: criteria provided, single submitter. Criteria: ACMG Guidelines, 2015. Collection method: clinical testing. Allele origin: germline. Inheritance: Autosomal dominant inheritance. Observed: 2 variant alleles, 2 heterozygotes.
Comment: This variant causes a deletion of five nucleotides in intron 37 of the COL3A1 gene. To our knowledge, functional studies have not been reported for this variant. This variant has not been reported in individuals affected with COL3A1-related disorders in the literature. This variant has been identified in 1/251394 chromosomes in the general population by the Genome Aggregation Database (gnomAD). The available evidence is insufficient to determine the role of this variant in disease conclusively. Therefore, this variant is classified as a Variant of Uncertain Significance.

This study involves interpretation of variants in research participants for the purpose of population health screening. Participant phenotype was not available at the time of variant classification. Additional details can be found in publication PMID: 35346344, PMCID: PMC8962531